The following is an entry in ClinVar:

NM_024649.5(BBS1):c.1339+5G>A

Genes: BBS1 (Bardet-Biedl syndrome 1; plus strand), ZDHHC24 (zDHHC palmitoyltransferase 24; minus strand). Cytogenetic location: 11q13.2.
Variant type: single nucleotide variant.
Coding change: c.1339+5G>A on transcript NM_024649.5 (MANE Select); 5 bases into the intron after coding-DNA position 1339, G replaced by A.
Molecular consequence: intron variant.
Genome position (GRCh38, 1-based): chr11:66,526,812, G>A. VCF-style: chr11-66526812-G-A. GRCh37 (hg19) VCF-style: chr11-66294283-G-A.
Other names: c.*21+124C>T (NM_001348571.2).
Identifiers: ClinVar variation 1304017 (VCV001304017.9), dbSNP rs2134813058, ClinGen allele CA2573053547.

ClinVar aggregate classification (germline): Uncertain significance. Review status: criteria provided, multiple submitters, no conflicts (2 of 4 stars). 2 submissions from 2 submitters: Uncertain significance (2). Last evaluated 2022-07-20.

Conditions:
Bardet-Biedl syndrome (BBS). Identifiers: Orphanet 110, MedGen C0752166, MONDO:0015229.

Submissions (2):

Labcorp Genetics (formerly Invitae), Labcorp
Classification: Uncertain significance for Bardet-Biedl syndrome. Last evaluated: 2022-07-20. Review status: criteria provided, single submitter. Criteria: Invitae Variant Classification Sherloc (09022015). Collection method: clinical testing. Allele origin: germline.
Comment: ClinVar contains an entry for this variant (Variation ID: 1304017). In summary, the available evidence is currently insufficient to determine the role of this variant in disease. Therefore, it has been classified as a Variant of Uncertain Significance. Variants that disrupt the consensus splice site are a relatively common cause of aberrant splicing (PMID: 17576681, 9536098). Algorithms developed to predict the effect of sequence changes on RNA splicing suggest that this variant may disrupt the consensus splice site. This variant has not been reported in the literature in individuals affected with BBS1-related conditions. This variant is not present in population databases (gnomAD no frequency). This sequence change falls in intron 13 of the BBS1 gene. It does not directly change the encoded amino acid sequence of the BBS1 protein. It affects a nucleotide within the consensus splice site.

GeneDx
Classification: Uncertain significance. Last evaluated: 2021-06-03. Review status: criteria provided, single submitter. Criteria: GeneDx Variant Classification Process June 2021. Collection method: clinical testing. Allele origin: germline. Affected: yes.
Comment: Not observed at significant frequency in large population cohorts (Lek et al., 2016); In silico analysis supports a deleterious effect on splicing; Has not been previously published as pathogenic or benign to our knowledge; This variant is associated with the following publications: (PMID: 27535533)

Literature cited by the submitters: PubMed 17576681 (cited by Labcorp Genetics (formerly Invitae), Labcorp); PubMed 9536098 (cited by Labcorp Genetics (formerly Invitae), Labcorp).